The following is an entry in ClinVar:

ClinVar aggregate classification (germline): Pathogenic/Likely pathogenic. Review status: criteria provided, multiple submitters, no conflicts (2 of 4 stars). 2 submissions from 2 submitters: Pathogenic (1); Likely pathogenic (1). Last evaluated 2026-09-01.

Submissions (2):

CeGaT Center for Human Genetics Tuebingen
Classification: Pathogenic. Last evaluated: 2026-09-01. Review status: criteria provided, single submitter. Criteria: CeGaT Center For Human Genetics Tuebingen Variant Classification Criteria Version 2. Collection method: clinical testing. Allele origin: germline. Affected: yes. Observed: 1 variant allele.
Comment: SALL1: PVS1, PM2

GeneDx
Classification: Likely pathogenic. Last evaluated: 2019-01-29. Review status: criteria provided, single submitter. Criteria: GeneDx Variant Classification (06012015). Collection method: clinical testing. Allele origin: germline. Affected: yes.
Comment: The c.2712_2715delAGTG variant in the SALL1 gene has not been reported previously as a pathogenic variant nor as a benign variant, to our knowledge. The c.2712_2715delAGTG variant causes a frameshift starting with codon Glycine 906, changes this amino acid to a Valine residue, and creates a premature Stop codon at position 59 of the new reading frame, denoted p.Gly906ValfsX59. This variant is predicted to cause loss of normal protein function either through protein truncation or nonsense-mediated mRNA decay. The c.2712_2715delAGTG variant is not observed in large population cohorts (Lek et al., 2016). We interpret c.2712_2715delAGTG as a likely pathogenic variant.

NM_002968.3(SALL1):c.2712_2715del (p.Gly906fs)

Gene: SALL1 (spalt like transcription factor 1; minus strand). Cytogenetic location: 16q12.1.
Variant type: Deletion.
Coding change: c.2712_2715del on transcript NM_002968.3 (MANE Select); coding-DNA positions 2712 to 2715, 4 bases deleted (AGTG; older notation c.2712_2715delAGTG).
Protein change: p.Gly906fs; shifts the reading frame from glycine 906.
Molecular consequence: frameshift variant.
Genome position (GRCh38, 1-based): chr16:51,139,507-51,139,510, CACT deleted on the plus strand (AGTG on the coding strand, the reverse complement: SALL1 is on the minus strand). VCF-style (leftmost placement, unchanged base first): chr16-51139506-CCACT-C. GRCh37 (hg19) VCF-style: chr16-51173417-CCACT-C.
Other names: c.2421_2424del, p.Gly809fs (NM_001127892.2); short protein forms G906fs, G809fs.
Identifiers: ClinVar variation 817398 (VCV000817398.2), dbSNP rs1597228550, ClinGen allele CA915949260.
Genomic context (GRCh38, chr16:51,139,506, plus strand): 5'-TGGAAGAGGTAGACTCTGAGATGGCTGGGCTGCCAGCACTTTGGCTTTCCATGTCACCAC[CCACT>C]GAGGATGAATCATTGGTCAGGACATCCCCCTCGATGGACCCATTCTCCACTGACTTCAGG-3'